The following is an entry in ClinVar:

ClinVar aggregate classification (germline): Uncertain significance (1 of 4 stars; one submission).

Allele frequency attached by ClinVar (database versions not stated): gnomAD exomes below 0.00001.
gnomAD v4.1: 1 of 1,589,004 alleles (0.000063%); highest among the groups gnomAD compares: Non-Finnish European, 0.000086%; no homozygotes.

Submission:

Labcorp Genetics (formerly Invitae), Labcorp
Classification: Uncertain significance. Last evaluated: 2022-09-15. Review status: criteria provided, single submitter. Criteria: Invitae Variant Classification Sherloc (09022015). Collection method: clinical testing. Allele origin: germline.
Comment: Algorithms developed to predict the effect of missense changes on protein structure and function are either unavailable or do not agree on the potential impact of this missense change (SIFT: "Deleterious"; PolyPhen-2: "Probably Damaging"; Align-GVGD: "Class C0"). In summary, the available evidence is currently insufficient to determine the role of this variant in disease. Therefore, it has been classified as a Variant of Uncertain Significance. This variant has not been reported in the literature in individuals affected with HMCN1-related conditions. This variant is not present in population databases (gnomAD no frequency). This sequence change replaces proline, which is neutral and non-polar, with serine, which is neutral and polar, at codon 641 of the HMCN1 protein (p.Pro641Ser).

NM_031935.3(HMCN1):c.1921C>T (p.Pro641Ser)

Gene: HMCN1 (hemicentin 1; plus strand). Cytogenetic location: 1q31.1.
Variant type: single nucleotide variant.
Coding change: c.1921C>T on transcript NM_031935.3 (MANE Select); coding-DNA position 1921, C replaced by T.
Protein change: p.Pro641Ser; replaces proline 641 with serine.
Molecular consequence: missense variant.
Genome position (GRCh38, 1-based): chr1:185,962,610, C>T. VCF-style: chr1-185962610-C-T. GRCh37 (hg19) VCF-style: chr1-185931742-C-T.
Other names: short protein forms P641S.
Identifiers: ClinVar variation 1718931 (VCV001718931.5), dbSNP rs2102557908, ClinGen allele CA343874710.